The following is an entry in ClinVar:

ClinVar aggregate classification (germline): Uncertain significance (1 of 4 stars; one submission).

Conditions:
Early-infantile DEE. Also called: Early infantile epileptic encephalopathy with suppression bursts; Early infantile epileptic encephalopathy; Ohtahara syndrome. Identifiers: Orphanet 1934, MedGen C0393706, MONDO:0800491.

Allele frequency attached by ClinVar (database versions not stated): TOPMed below 0.00001.
gnomAD v4.1: 7 of 1,613,416 alleles (0.00043%); highest among the groups gnomAD compares: South Asian, 0.0077%; no homozygotes.

Submission:

Labcorp Genetics (formerly Invitae), Labcorp
Classification: Uncertain significance for Early-infantile DEE. Last evaluated: 2023-01-18. Review status: criteria provided, single submitter. Criteria: Invitae Variant Classification Sherloc (09022015). Collection method: clinical testing. Allele origin: germline.
Comment: This sequence change replaces glutamic acid, which is acidic and polar, with glutamine, which is neutral and polar, at codon 1995 of the SCN1A protein (p.Glu1995Gln). In summary, the available evidence is currently insufficient to determine the role of this variant in disease. Therefore, it has been classified as a Variant of Uncertain Significance. Advanced modeling of protein sequence and biophysical properties (such as structural, functional, and spatial information, amino acid conservation, physicochemical variation, residue mobility, and thermodynamic stability) performed at Invitae indicates that this missense variant is not expected to disrupt SCN1A protein function. This variant has not been reported in the literature in individuals affected with SCN1A-related conditions. This variant is present in population databases (no rsID available, gnomAD 0.003%).

NM_001165963.4(SCN1A):c.5983G>C (p.Glu1995Gln)

Genes: SCN1A (sodium voltage-gated channel alpha subunit 1; minus strand), LOC102724058 (uncharacterized LOC102724058; plus strand). Cytogenetic location: 2q24.3.
Variant type: single nucleotide variant.
Coding change: c.5983G>C on transcript NM_001165963.4 (MANE Select); coding-DNA position 5983, G replaced by C.
Protein change: p.Glu1995Gln; replaces glutamic acid 1995 with glutamine.
Molecular consequence: missense variant. On other transcripts: non-coding transcript variant (1).
Genome position (GRCh38, 1-based): chr2:165,991,292, C>G on the plus strand (G>C on the coding strand, the complement: SCN1A is on the minus strand). VCF-style: chr2-165991292-C-G. GRCh37 (hg19) VCF-style: chr2-166847802-C-G.
Other names: c.5899G>C, p.Glu1967Gln (NM_001165964.3, NM_001353957.2, NM_001353958.2); c.5983G>C, p.Glu1995Gln (NM_001202435.3, NM_001353948.2); c.5950G>C, p.Glu1984Gln (NM_001353949.2, NM_001353950.2, NM_001353951.2 and 2 more transcripts); c.5947G>C, p.Glu1983Gln (NM_001353954.2, NM_001353955.2); c.5896G>C, p.Glu1966Gln (NM_001353960.2); c.3541G>C, p.Glu1181Gln (NM_001353961.2); short protein forms E1966Q, E1181Q, E1967Q, E1983Q, E1984Q, E1995Q.
Identifiers: ClinVar variation 2738544 (VCV002738544.3), dbSNP rs758461482, ClinGen allele CA349063049.